The following is an entry in ClinVar:

NM_000404.4(GLB1):c.1310del (p.Asn437fs)

Gene: GLB1 (galactosidase beta 1; minus strand). Cytogenetic location: 3p22.3.
Variant type: Deletion.
Coding change: c.1310del on transcript NM_000404.4 (MANE Select); coding-DNA position 1310, one base deleted (A; older notation c.1310delA).
Protein change: p.Asn437fs; shifts the reading frame from asparagine 437.
Molecular consequence: frameshift variant.
Genome position (GRCh38, 1-based): chr3:33,018,485, T deleted on the plus strand (A on the coding strand, the reverse complement: GLB1 is on the minus strand); the first of 2 consecutive T bases (chr3:33,018,485-33,018,486); deleting either gives the same sequence. VCF-style (leftmost placement, unchanged base first): chr3-33018484-AT-A. GRCh37 (hg19) VCF-style: chr3-33059976-AT-A.
Other names: c.1220del, p.Asn407fs (NM_001079811.3); c.917del, p.Asn306fs (NM_001135602.3); c.1454del, p.Asn485fs (NM_001317040.2); c.1310del, p.Asn437fs (NM_001393580.1); short protein forms N306fs, N485fs, N407fs, N437fs.
Identifiers: ClinVar variation 1457739 (VCV001457739.6), dbSNP rs2125469935, ClinGen allele CA2573136212.
Genomic context (GRCh38, chr3:33,018,484, plus strand): 5'-GCACAGTTCAGAGACGATTCTTACCCCATCCACAGCAACATATGCTCGATCGTGGACTCC[AT>A]TGAGGGGTGAAGAGAGAGGTGCTGGGTTGCTGCAATCTTGAGGAAGTGTTGTCCGGTACA-3'

ClinVar aggregate classification (germline): Pathogenic (1 of 4 stars; one submission).

Conditions:
GM1 gangliosidosis. Identifiers: Orphanet 354, MedGen C0085131, MONDO:0018149.
Mucopolysaccharidosis, MPS-IV-B (MPS4B). Also called: MORQUIO SYNDROME B; Mucopolysaccharidosis Type IVB (Morquio B Disease); Mucopolysaccharidosis type 4B; Mucopolysaccharidosis type IVB (Morquio); MPS IVB; Mucopolysaccharidosis type IV B. Identifiers: Orphanet 309310, Orphanet 582, MedGen C0086652, MONDO:0009660, OMIM 253010.

Submission:

Labcorp Genetics (formerly Invitae), Labcorp
Classification: Pathogenic for Mucopolysaccharidosis, MPS-IV-B; GM1 gangliosidosis. Last evaluated: 2021-07-02. Review status: criteria provided, single submitter. Criteria: Invitae Variant Classification Sherloc (09022015). Collection method: clinical testing. Allele origin: germline.
Comment: This sequence change creates a premature translational stop signal (p.Asn437Metfs*24) in the GLB1 gene. It is expected to result in an absent or disrupted protein product. Loss-of-function variants in GLB1 are known to be pathogenic (PMID: 18524657). This variant is not present in population databases (ExAC no frequency). This premature translational stop signal has been observed in individual(s) with GM1 gangliosidosis (PMID: 15714521). This variant is also known as 1309delA. For these reasons, this variant has been classified as Pathogenic.

Literature cited by the submitters: PubMed 18524657; PubMed 15714521.